The following is an entry in ClinVar:

ClinVar aggregate classification (germline): Uncertain significance. Review status: criteria provided, multiple submitters, no conflicts (2 of 4 stars). 2 submissions from 2 submitters: Uncertain significance (2). Last evaluated 2025-10-31.

Conditions:
Cardiovascular phenotype. Identifiers: MedGen CN230736.
Catecholaminergic polymorphic ventricular tachycardia 1. Also called: RYR2-Related Catecholaminergic Polymorphic Ventricular Tachycardia; VENTRICULAR TACHYCARDIA, STRESS-INDUCED POLYMORPHIC 1; VENTRICULAR TACHYCARDIA, CATECHOLAMINERGIC POLYMORPHIC, 1, WITH OR WITHOUT ATRIAL DYSFUNCTION AND/OR DILATED CARDIOMYOPATHY. Identifiers: Orphanet 3286, MedGen C1631597, MONDO:0011484, OMIM 604772.

gnomAD v4.1: 1 of 1,614,048 alleles (0.000062%); highest among the groups gnomAD compares: South Asian, 0.0011%; no homozygotes.

Submissions (2):

Ambry Genetics
Classification: Uncertain significance for Cardiovascular phenotype. Last evaluated: 2025-10-31. Review status: criteria provided, single submitter. Criteria: Ambry Variant Classification Scheme 2023. Collection method: clinical testing. Allele origin: germline.
Comment: The p.S1662L variant (also known as c.4985C>T), located in coding exon 37 of the RYR2 gene, results from a C to T substitution at nucleotide position 4985. The serine at codon 1662 is replaced by leucine, an amino acid with dissimilar properties. This amino acid position is highly conserved in available vertebrate species. In addition, this alteration is predicted to be deleterious by in silico analysis. Based on the available evidence, the clinical significance of this variant remains unclear.

Labcorp Genetics (formerly Invitae), Labcorp
Classification: Uncertain significance for Catecholaminergic polymorphic ventricular tachycardia 1. Last evaluated: 2025-03-07. Review status: criteria provided, single submitter. Criteria: Invitae Variant Classification Sherloc (09022015). Collection method: clinical testing. Allele origin: germline.
Comment: This sequence change replaces serine, which is neutral and polar, with leucine, which is neutral and non-polar, at codon 1662 of the RYR2 protein (p.Ser1662Leu). This variant is present in population databases (no rsID available, gnomAD 0.003%). This variant has not been reported in the literature in individuals affected with RYR2-related conditions. Invitae Evidence Modeling of protein sequence and biophysical properties (such as structural, functional, and spatial information, amino acid conservation, physicochemical variation, residue mobility, and thermodynamic stability) indicates that this missense variant is not expected to disrupt RYR2 protein function with a negative predictive value of 95%. In summary, the available evidence is currently insufficient to determine the role of this variant in disease. Therefore, it has been classified as a Variant of Uncertain Significance.

NM_001035.3(RYR2):c.4985C>T (p.Ser1662Leu)

Gene: RYR2 (ryanodine receptor 2; plus strand). Cytogenetic location: 1q43.
Variant type: single nucleotide variant.
Coding change: c.4985C>T on transcript NM_001035.3 (MANE Select); coding-DNA position 4985, C replaced by T.
Protein change: p.Ser1662Leu; replaces serine 1662 with leucine.
Molecular consequence: missense variant.
Genome position (GRCh38, 1-based): chr1:237,614,113, C>T. VCF-style: chr1-237614113-C-T. GRCh37 (hg19) VCF-style: chr1-237777413-C-T.
Other names: short protein forms S1662L.
Identifiers: ClinVar variation 4614857 (VCV004614857.2).
Genomic context (GRCh38, chr1:237,614,113, plus strand): 5'-TAGAGTTGACAGAGCAGGAGGAATTGCTGAAATTTCACTATCACACTCTCCGGCTCTACT[C>T]AGCCGTCTGTGCTCTTGGGAACCACCGGGTGGCCCATGCCCTGTGCAGCCATGTGGATGA-3'
Protein context (NP_001026.2, residues 1652-1672): KFHYHTLRLY[Ser1662Leu]AVCALGNHRV